The following is an entry in ClinVar:

NM_005228.5(EGFR):c.2758G>A (p.Ala920Thr)

Gene: EGFR (epidermal growth factor receptor; plus strand). Cytogenetic location: 7p11.2.
Variant type: single nucleotide variant.
Coding change: c.2758G>A on transcript NM_005228.5 (MANE Select); coding-DNA position 2758, G replaced by A.
Protein change: p.Ala920Thr; replaces alanine 920 with threonine.
Molecular consequence: missense variant.
Genome position (GRCh38, 1-based): chr7:55,198,773, G>A. VCF-style: chr7-55198773-G-A. GRCh37 (hg19) VCF-style: chr7-55266466-G-A.
Other names: c.2623G>A, p.Ala875Thr (NM_001346897.2, NM_001346899.2); c.2758G>A, p.Ala920Thr (NM_001346898.2); c.2599G>A, p.Ala867Thr (NM_001346900.2); c.1957G>A, p.Ala653Thr (NM_001346941.2); short protein forms A653T, A867T, A875T, A920T.
Identifiers: ClinVar variation 1056807 (VCV001056807.9), dbSNP rs2128968736, ClinGen allele CA367581294.

ClinVar aggregate classification (germline): Uncertain significance (1 of 4 stars; one submission).

Conditions:
EGFR-related lung cancer (EGFR). Identifiers: MedGen CN130014.

Submission:

Labcorp Genetics (formerly Invitae), Labcorp
Classification: Uncertain significance for EGFR-related lung cancer. Last evaluated: 2021-06-30. Review status: criteria provided, single submitter. Criteria: Invitae Variant Classification Sherloc (09022015). Collection method: clinical testing. Allele origin: germline.
Comment: This sequence change replaces alanine with threonine at codon 920 of the EGFR protein (p.Ala920Thr). The alanine residue is highly conserved and there is a small physicochemical difference between alanine and threonine. This variant is not present in population databases (ExAC no frequency). This variant has not been reported in the literature in individuals with EGFR-related conditions. Algorithms developed to predict the effect of missense changes on protein structure and function are either unavailable or do not agree on the potential impact of this missense change (SIFT: "Tolerated"; PolyPhen-2: "Probably Damaging"; Align-GVGD: "Class C0"). In summary, the available evidence is currently insufficient to determine the role of this variant in disease. Therefore, it has been classified as a Variant of Uncertain Significance.